The following is an entry in ClinVar:

ClinVar aggregate classification (germline): Uncertain significance (1 of 4 stars; one submission).

Conditions:
Hereditary sensory and autonomic neuropathy type 6. Also called: Neuropathy, hereditary sensory and autonomic, type VI; HSAN VI. Identifiers: Orphanet 314381, MedGen C3539003, MONDO:0013839, OMIM 614653.
Epidermolysis bullosa simplex 3, localized or generalized intermediate, with BP230 deficiency (EBS3). Also called: Epidermolysis bullosa simplex due to BP230 deficiency; Epidermolysis bullosa simplex, autosomal recessive 2. Identifiers: Orphanet 412181, MedGen C3809470, MONDO:0014180, OMIM 615425.

Allele frequency attached by ClinVar (database versions not stated): ExAC 0.00002; gnomAD 0.00003; TOPMed 0.00003; gnomAD exomes 0.00001.
gnomAD v4.1: 19 of 1,613,934 alleles (0.0012%); highest among the groups gnomAD compares: East Asian, 0.022%; no homozygotes.

Submission:

Labcorp Genetics (formerly Invitae), Labcorp
Classification: Uncertain significance for Epidermolysis bullosa simplex 3, localized or generalized intermediate, with BP230 deficiency; Hereditary sensory and autonomic neuropathy type 6. Last evaluated: 2022-09-15. Review status: criteria provided, single submitter. Criteria: Invitae Variant Classification Sherloc (09022015). Collection method: clinical testing. Allele origin: germline.
Comment: This sequence change replaces threonine, which is neutral and polar, with methionine, which is neutral and non-polar, at codon 1397 of the DST protein (p.Thr1397Met). This variant is present in population databases (rs760447065, gnomAD 0.02%). This variant has not been reported in the literature in individuals affected with DST-related conditions. Algorithms developed to predict the effect of missense changes on protein structure and function are either unavailable or do not agree on the potential impact of this missense change (SIFT: "Deleterious"; PolyPhen-2: "Possibly Damaging"; Align-GVGD: "Class C15"). In summary, the available evidence is currently insufficient to determine the role of this variant in disease. Therefore, it has been classified as a Variant of Uncertain Significance.

NM_001723.7(DST):c.4190C>T (p.Thr1397Met)

Gene: DST (dystonin; minus strand). Cytogenetic location: 6p12.1.
Variant type: single nucleotide variant.
Coding change: c.4190C>T on transcript NM_001723.7 (MANE Plus Clinical); coding-DNA position 4190, C replaced by T.
Protein change: p.Thr1397Met; replaces threonine 1397 with methionine.
Molecular consequence: missense variant. On other transcripts: intron variant (10).
Genome position (GRCh38, 1-based): chr6:56,619,844, G>A on the plus strand (C>T on the coding strand, the complement: DST is on the minus strand). VCF-style: chr6-56619844-G-A. GRCh37 (hg19) VCF-style: chr6-56484642-G-A.
Other names: c.4830+4686C>T (NM_001144769.5); c.4929+4686C>T (NM_001374722.1, NM_001374736.1); c.4956+4686C>T (NM_001374734.1); c.4416+4686C>T (NM_001144770.2); c.4296+4686C>T (NM_001374730.1, NM_001386100.1, NM_183380.4 and 1 more transcripts); c.3318+4686C>T (NM_015548.5); short protein forms T1397M.
Identifiers: ClinVar variation 2166626 (VCV002166626.4), dbSNP rs760447065, ClinGen allele CA3870576.